The following is an entry in ClinVar:

ClinVar aggregate classification (germline): Uncertain significance (1 of 4 stars; one submission).

Allele frequency attached by ClinVar (database versions not stated): gnomAD exomes below 0.00001.
gnomAD v4.1: 2 of 1,607,954 alleles (0.00012%); highest among the groups gnomAD compares: Admixed American, 0.0033%; no homozygotes.

Submission:

Labcorp Genetics (formerly Invitae), Labcorp
Classification: Uncertain significance. Last evaluated: 2021-12-03. Review status: criteria provided, single submitter. Criteria: Invitae Variant Classification Sherloc (09022015). Collection method: clinical testing. Allele origin: germline.
Comment: In summary, the available evidence is currently insufficient to determine the role of this variant in disease. Therefore, it has been classified as a Variant of Uncertain Significance. Algorithms developed to predict the effect of missense changes on protein structure and function are either unavailable or do not agree on the potential impact of this missense change (SIFT: "Deleterious"; PolyPhen-2: "Probably Damaging"; Align-GVGD: "Class C0"). This variant has not been reported in the literature in individuals affected with C6-related conditions. This variant is present in population databases (no rsID available, gnomAD 0.003%). This sequence change replaces serine, which is neutral and polar, with threonine, which is neutral and polar, at codon 561 of the C6 protein (p.Ser561Thr).

NM_000065.5(C6):c.1681T>A (p.Ser561Thr)

Gene: C6 (complement C6; minus strand). Cytogenetic location: 5p13.1.
Variant type: single nucleotide variant.
Coding change: c.1681T>A on transcript NM_000065.5 (MANE Select); coding-DNA position 1681, T replaced by A.
Protein change: p.Ser561Thr; replaces serine 561 with threonine.
Molecular consequence: missense variant.
Genome position (GRCh38, 1-based): chr5:41,160,145, A>T on the plus strand (T>A on the coding strand, the complement: C6 is on the minus strand). VCF-style: chr5-41160145-A-T. GRCh37 (hg19) VCF-style: chr5-41160247-A-T.
Other names: c.1681T>A, p.Ser561Thr (NM_001115131.4); short protein forms S561T.
Identifiers: ClinVar variation 1485890 (VCV001485890.6), dbSNP rs1193041480, ClinGen allele CA359597595.